The following is an entry in ClinVar:

ClinVar aggregate classification (germline): Conflicting classifications of pathogenicity. Review status: criteria provided, conflicting classifications (1 of 4 stars). 2 submissions from 2 submitters: Uncertain significance (1); Likely benign (1). Last evaluated 2025-04-02.

Conditions:
Hereditary cancer-predisposing syndrome. Also called: Tumor predisposition; Neoplastic Syndromes, Hereditary; Hereditary Cancer Syndrome; Hereditary neoplastic syndrome. Identifiers: Orphanet 140162, MedGen C0027672, MeSH D009386, MONDO:0015356.
Hereditary diffuse gastric adenocarcinoma (HDGC). Also called: DIFFUSE GASTRIC AND LOBULAR BREAST CANCER SYNDROME. Identifiers: Orphanet 26106, MedGen C1708349, MONDO:0007648, OMIM 137215.

Submissions (2):

Labcorp Genetics (formerly Invitae), Labcorp
Classification: Uncertain significance for Hereditary diffuse gastric adenocarcinoma. Last evaluated: 2025-04-02. Review status: criteria provided, single submitter. Criteria: Invitae Variant Classification Sherloc (09022015). Collection method: clinical testing. Allele origin: germline.
Comment: This sequence change replaces glycine, which is neutral and non-polar, with arginine, which is basic and polar, at codon 134 of the CDH1 protein (p.Gly134Arg). This variant is not present in population databases (gnomAD no frequency). This missense change has been observed in individual(s) with breast cancer (PMID: 30287823). ClinVar contains an entry for this variant (Variation ID: 406623). An algorithm developed to predict the effect of missense changes on protein structure and function (PolyPhen-2) suggests that this variant is likely to be tolerated. In summary, the available evidence is currently insufficient to determine the role of this variant in disease. Therefore, it has been classified as a Variant of Uncertain Significance.

Ambry Genetics
Classification: Likely benign for Hereditary cancer-predisposing syndrome. Last evaluated: 2024-12-19. Review status: criteria provided, single submitter. Criteria: Ambry Variant Classification Scheme 2023. Collection method: clinical testing. Allele origin: germline.

Literature cited by the submitters: PubMed 30287823 (cited by Labcorp Genetics (formerly Invitae), Labcorp).

NM_004360.5(CDH1):c.400G>A (p.Gly134Arg)

Gene: CDH1 (cadherin 1; plus strand). Cytogenetic location: 16q22.1.
Variant type: single nucleotide variant.
Coding change: c.400G>A on transcript NM_004360.5 (MANE Select); coding-DNA position 400, G replaced by A.
Protein change: p.Gly134Arg; replaces glycine 134 with arginine.
Molecular consequence: missense variant. On other transcripts: 5 prime UTR variant (2).
Genome position (GRCh38, 1-based): chr16:68,808,436, G>A. VCF-style: chr16-68808436-G-A. GRCh37 (hg19) VCF-style: chr16-68842339-G-A.
Other names: c.400G>A (LRG_301t1); c.400G>A, p.Gly134Arg (NM_001317184.2); c.-1216G>A (NM_001317185.2); c.-1420G>A (NM_001317186.2); short protein forms G134R.
Identifiers: ClinVar variation 406623 (VCV000406623.12), dbSNP rs1060501220, ClinGen allele CA16615367.